The following is an entry in ClinVar:

NM_001034853.2(RPGR):c.2474_2477del (p.Glu825fs)

Gene: RPGR (retinitis pigmentosa GTPase regulator; minus strand). Cytogenetic location: Xp11.4.
Variant type: Microsatellite.
Coding change: c.2474_2477del on transcript NM_001034853.2 (MANE Select); coding-DNA positions 2474 to 2477, 4 bases deleted (AGAG; older notation c.2474_2477delAGAG).
Protein change: p.Glu825fs; shifts the reading frame from glutamic acid 825.
Molecular consequence: frameshift variant. On other transcripts: intron variant (8).
Genome position (GRCh38, 1-based): chrX:38,286,522-38,286,525, CTCT deleted on the plus strand (AGAG on the coding strand, the reverse complement: RPGR is on the minus strand); deleting any 4 consecutive bases within chrX:38,286,522-38,286,528 gives the same sequence; the c. name uses the placement nearest the transcript's 3' end. VCF-style (leftmost placement, unchanged base first): chrX-38286521-CCTCT-C. GRCh37 (hg19) VCF-style: chrX-38145774-CCTCT-C.
Other names: c.1569+4434_1569+4437del (NM_001367249.1, NM_001367250.1); c.1902+569_1902+572del (NM_001367245.1); c.1386+4434_1386+4437del (NM_001367251.1); c.1719+569_1719+572del (NM_001367246.1); c.1572+4434_1572+4437del (NM_001367247.1); c.1905+569_1905+572del (NM_000328.3); c.1602+4434_1602+4437del (NM_001367248.1); short protein forms E825fs.
Identifiers: ClinVar variation 4763909 (VCV004763909.2).

ClinVar aggregate classification (germline): Pathogenic. Review status: criteria provided, multiple submitters, no conflicts (2 of 4 stars). 2 submissions from 2 submitters: Pathogenic (2). Last evaluated 2025-02-09.

Conditions:
Primary ciliary dyskinesia. Also called: Ciliary dyskinesia. Identifiers: Orphanet 244, MedGen C0008780, MONDO:0016575, HP:0012265.
RPGR-related disorder. Also called: RPGR-related condition.

Submissions (2):

Labcorp Genetics (formerly Invitae), Labcorp
Classification: Pathogenic for Primary ciliary dyskinesia. Last evaluated: 2025-02-09. Review status: criteria provided, single submitter. Criteria: Invitae Variant Classification Sherloc (09022015). Collection method: clinical testing. Allele origin: germline.
Comment: This sequence change creates a premature translational stop signal (p.Glu825Glyfs*263) in the RPGR (ORF15) gene. While this is not anticipated to result in nonsense mediated decay, it is expected to disrupt the last 328 amino acid(s) of the RPGR (ORF15) protein. This variant is not present in population databases (gnomAD no frequency). This premature translational stop signal has been observed in individual(s) with RPGR-related conditions (PMID: 32000842). This variant disrupts a region of the RPGR (ORF15) protein in which other variant(s) (p.Arg826Glyfs*8) have been determined to be pathogenic (PMID: 12402343, 28322733, 28863407, 32000842). This suggests that this is a clinically significant region of the protein, and that variants that disrupt it are likely to be disease-causing. For these reasons, this variant has been classified as Pathogenic.

Blueprint Genetics
Classification: Pathogenic for RPGR-related disorders. Last evaluated: 2024-01-17. Review status: criteria provided, single submitter. Criteria: ACMG Guidelines, 2015. Collection method: clinical testing. Allele origin: germline. Affected: yes. Observed: 2 variant alleles.

Literature cited by the submitters: PubMed 32000842 (cited by Labcorp Genetics (formerly Invitae), Labcorp); PubMed 12402343 (cited by Labcorp Genetics (formerly Invitae), Labcorp); PubMed 28322733 (cited by Labcorp Genetics (formerly Invitae), Labcorp); PubMed 28863407 (cited by Labcorp Genetics (formerly Invitae), Labcorp).